The following is an entry in ClinVar:

ClinVar aggregate classification (germline): Conflicting classifications of pathogenicity. Review status: criteria provided, conflicting classifications (1 of 4 stars). 3 submissions from 3 submitters: Uncertain significance (1); Likely benign (1). 1 of the submissions does not count toward it. Last evaluated 2026-07-01.

Conditions:
WDFY3-related disorder.
Inborn genetic diseases. Identifiers: MedGen C0950123, MeSH D030342.

Allele frequency attached by ClinVar (database versions not stated): ExAC 0.00027; 1000 Genomes Project 30x 0.00062; ESP Exome Variant Server 0.00077; 1000 Genomes Project 0.00080; gnomAD 0.00092; TOPMed 0.00097.
gnomAD v4.1: 262 of 1,599,896 alleles (0.016%); highest among the groups gnomAD compares: African/African-American, 0.3%; no homozygotes.

Submissions (3):

CeGaT Center for Human Genetics Tuebingen
Classification: Likely benign. Last evaluated: 2026-07-01. Review status: criteria provided, single submitter. Criteria: CeGaT Center For Human Genetics Tuebingen Variant Classification Criteria Version 2. Collection method: clinical testing. Allele origin: germline. Affected: yes. Observed: 1 variant allele.
Comment: WDFY3: BS1

Ambry Genetics
Classification: Uncertain significance for Inborn genetic diseases. Last evaluated: 2020-11-10. Review status: criteria provided, single submitter. Criteria: Ambry Variant Classification Scheme 2023. Collection method: clinical testing. Allele origin: germline.

PreventionGenetics, part of Exact Sciences
Classification: Likely benign for WDFY3-related condition. Last evaluated: 2019-05-20. Review status: no assertion criteria provided. Collection method: clinical testing. Allele origin: germline. Not counted in ClinVar's aggregate classification.
Comment: This variant is classified as likely benign based on ACMG/AMP sequence variant interpretation guidelines (Richards et al. 2015 PMID: 25741868, with internal and published modifications).

NM_014991.6(WDFY3):c.517G>A (p.Ala173Thr)

Gene: WDFY3 (WD repeat and FYVE domain containing 3; minus strand). Cytogenetic location: 4q21.23.
Variant type: single nucleotide variant.
Coding change: c.517G>A on transcript NM_014991.6 (MANE Select); coding-DNA position 517, G replaced by A.
Protein change: p.Ala173Thr; replaces alanine 173 with threonine.
Molecular consequence: missense variant.
Genome position (GRCh38, 1-based): chr4:84,836,988, C>T on the plus strand (G>A on the coding strand, the complement: WDFY3 is on the minus strand). VCF-style: chr4-84836988-C-T. GRCh37 (hg19) VCF-style: chr4-85758141-C-T.
Other names: short protein forms A173T.
Identifiers: ClinVar variation 2295594 (VCV002295594.5), dbSNP rs145604577, ClinGen allele CA2994158.